The following is an entry in ClinVar:

NM_003504.5(CDC45):c.560A>T (p.Asp187Val)

Gene: CDC45 (cell division cycle 45; plus strand). Cytogenetic location: 22q11.21.
Variant type: single nucleotide variant.
Coding change: c.560A>T on transcript NM_003504.5 (MANE Select); coding-DNA position 560, A replaced by T.
Protein change: p.Asp187Val; replaces aspartic acid 187 with valine.
Molecular consequence: missense variant. On other transcripts: non-coding transcript variant (1).
Genome position (GRCh38, 1-based): chr22:19,495,998, A>T. VCF-style: chr22-19495998-A-T. GRCh37 (hg19) VCF-style: chr22-19483521-A-T.
Other names: c.656A>T, p.Asp219Val (NM_001178010.2); c.422A>T, p.Asp141Val (NM_001178011.2); c.524A>T, p.Asp175Val (NM_001369291.1); short protein forms D219V, D141V, D175V, D187V.
Identifiers: ClinVar variation 1361441 (VCV001361441.3), dbSNP rs764941393, ClinGen allele CA322053103.

ClinVar aggregate classification (germline): Uncertain significance (1 of 4 stars; one submission).

Allele frequency attached by ClinVar (database versions not stated): gnomAD 0.00001; gnomAD exomes 0.00002; TOPMed 0.00002.
gnomAD v4.1: 11 of 1,611,594 alleles (0.00068%); highest among the groups gnomAD compares: Middle Eastern, 0.016%; no homozygotes.

Submission:

Labcorp Genetics (formerly Invitae), Labcorp
Classification: Uncertain significance. Last evaluated: 2022-03-11. Review status: criteria provided, single submitter. Criteria: Invitae Variant Classification Sherloc (09022015). Collection method: clinical testing. Allele origin: germline.
Comment: This sequence change replaces aspartic acid, which is acidic and polar, with valine, which is neutral and non-polar, at codon 219 of the CDC45 protein (p.Asp219Val). This variant is present in population databases (rs764941393, gnomAD 0.01%). This missense change has been observed in individual(s) with clinical features of CDC45-related conditions (PMID: 28191889). Algorithms developed to predict the effect of missense changes on protein structure and function are either unavailable or do not agree on the potential impact of this missense change (SIFT: "Deleterious"; PolyPhen-2: "Probably Damaging"; Align-GVGD: "Class C15"). In summary, the available evidence is currently insufficient to determine the role of this variant in disease. Therefore, it has been classified as a Variant of Uncertain Significance.

Literature cited by the submitters: PubMed 28191889.